The following is an entry in ClinVar:

ClinVar aggregate classification (germline): Uncertain significance (1 of 4 stars; one submission).

Conditions:
Incidental Discovery. Identifiers: MedGen C1135954.

Submission:

Clinical Genetics Laboratory, Skane University Hospital Lund
Classification: Uncertain significance for Incidental Discovery. Last evaluated: 2025-07-22. Review status: criteria provided, single submitter. Criteria: ACMG Guidelines, 2015. Collection method: clinical testing. Allele origin: germline.
Comment: Currently no evidence that loss of function is an established disease mechanism. ACMG criteria applied: PM2

NM_003361.4(UMOD):c.463dup (p.Cys155fs)

Gene: UMOD (uromodulin; minus strand). Cytogenetic location: 16p12.3.
Variant type: Duplication.
Coding change: c.463dup on transcript NM_003361.4 (MANE Select); coding-DNA position 463, one base duplicated (T; older notation c.463dupT).
Protein change: p.Cys155fs; shifts the reading frame from cysteine 155.
Molecular consequence: frameshift variant. On other transcripts: non-coding transcript variant (1).
Genome position (GRCh38, 1-based): chr16:20,348,838, A duplicated on the plus strand (T on the coding strand, the reverse complement: UMOD is on the minus strand). VCF-style (leftmost placement, unchanged base first): chr16-20348837-C-CA. GRCh37 (hg19) VCF-style: chr16-20360159-C-CA.
Other names: c.463dup, p.Cys155fs (NM_001008389.3, NM_001378232.1, NM_001378233.1 and 3 more transcripts); c.562dup, p.Cys188fs (NM_001278614.2); short protein forms C155fs, C188fs.
Identifiers: ClinVar variation 4070285 (VCV004070285.1).